The following is an entry in ClinVar:

NM_001378454.1(ALMS1):c.11728C>G (p.Pro3910Ala)

Gene: ALMS1 (ALMS1 centrosome and basal body associated protein; plus strand). Cytogenetic location: 2p13.1.
Variant type: single nucleotide variant.
Coding change: c.11728C>G on transcript NM_001378454.1 (MANE Select); coding-DNA position 11728, C replaced by G.
Protein change: p.Pro3910Ala; replaces proline 3910 with alanine.
Molecular consequence: missense variant.
Genome position (GRCh38, 1-based): chr2:73,600,737, C>G. VCF-style: chr2-73600737-C-G. GRCh37 (hg19) VCF-style: chr2-73827864-C-G.
Other names: c.11731C>G, p.Pro3911Ala (NM_015120.4); short protein forms P3911A, P3910A.
Identifiers: ClinVar variation 403931 (VCV000403931.10), dbSNP rs761099182, ClinGen allele CA16611021.

ClinVar aggregate classification (germline): Uncertain significance. Review status: criteria provided, multiple submitters, no conflicts (2 of 4 stars). 4 submissions from 4 submitters: Uncertain significance (3). 1 of the submissions does not count toward it. Last evaluated 2024-12-17.

Conditions:
Cardiovascular phenotype. Identifiers: MedGen CN230736.
Alstrom syndrome (ALMS). Identifiers: Orphanet 64, MedGen C0268425, MONDO:0008763, OMIM 203800.

Allele frequency attached by ClinVar (database versions not stated): gnomAD 0.00001; TOPMed 0.00001.
gnomAD v4.1: 7 of 1,614,004 alleles (0.00043%); highest among the groups gnomAD compares: African/African-American, 0.0067%; no homozygotes.

Submissions (4):

Ambry Genetics
Classification: Uncertain significance for Cardiovascular phenotype. Last evaluated: 2024-12-17. Review status: criteria provided, single submitter. Criteria: Ambry Variant Classification Scheme 2023. Collection method: clinical testing. Allele origin: germline.
Comment: The p.P3911A variant (also known as c.11731C>G), located in coding exon 18 of the ALMS1 gene, results from a C to G substitution at nucleotide position 11731. The proline at codon 3911 is replaced by alanine, an amino acid with highly similar properties. This amino acid position is highly conserved in available vertebrate species. In addition, the in silico prediction for this alteration is inconclusive. Since supporting evidence is limited at this time, the clinical significance of this alteration remains unclear.

Labcorp Genetics (formerly Invitae), Labcorp
Classification: Uncertain significance for Alstrom syndrome. Last evaluated: 2022-07-30. Review status: criteria provided, single submitter. Criteria: Invitae Variant Classification Sherloc (09022015). Collection method: clinical testing. Allele origin: germline.
Comment: This sequence change replaces proline, which is neutral and non-polar, with alanine, which is neutral and non-polar, at codon 3911 of the ALMS1 protein (p.Pro3911Ala). This variant is present in population databases (no rsID available, gnomAD 0.01%). This variant has not been reported in the literature in individuals affected with ALMS1-related conditions. ClinVar contains an entry for this variant (Variation ID: 403931). In summary, the available evidence is currently insufficient to determine the role of this variant in disease. Therefore, it has been classified as a Variant of Uncertain Significance.

Fulgent Genetics
Classification: Uncertain significance for Alstrom syndrome. Last evaluated: 2022-01-18. Review status: criteria provided, single submitter. Criteria: ACMG Guidelines, 2015. Collection method: clinical testing. Allele origin: unknown.

Natera, Inc.
Classification: Uncertain significance for Alstrom syndrome. Last evaluated: 2020-09-16. Review status: no assertion criteria provided. Collection method: clinical testing. Allele origin: germline. Not counted in ClinVar's aggregate classification.